The following is an entry in ClinVar:

ClinVar aggregate classification (germline): Uncertain significance (1 of 4 stars; one submission).

Submission:

Labcorp Genetics (formerly Invitae), Labcorp
Classification: Uncertain significance. Last evaluated: 2022-02-20. Review status: criteria provided, single submitter. Criteria: Invitae Variant Classification Sherloc (09022015). Collection method: clinical testing. Allele origin: germline.
Comment: In summary, the available evidence is currently insufficient to determine the role of this variant in disease. Therefore, it has been classified as a Variant of Uncertain Significance. Algorithms developed to predict the effect of missense changes on protein structure and function (SIFT, PolyPhen-2, Align-GVGD) all suggest that this variant is likely to be disruptive. This variant has not been reported in the literature in individuals affected with A2ML1-related conditions. This variant is not present in population databases (gnomAD no frequency). This sequence change replaces valine, which is neutral and non-polar, with alanine, which is neutral and non-polar, at codon 25 of the A2ML1 protein (p.Val25Ala).

NM_144670.6(A2ML1):c.74T>C (p.Val25Ala)

Genes: A2ML1 (alpha-2-macroglobulin like 1; plus strand), A2ML1-AS1 (A2ML1 antisense RNA 1; minus strand). Cytogenetic location: 12p13.31.
Variant type: single nucleotide variant.
Coding change: c.74T>C on transcript NM_144670.6 (MANE Select); coding-DNA position 74, T replaced by C.
Protein change: p.Val25Ala; replaces valine 25 with alanine.
Molecular consequence: missense variant.
Genome position (GRCh38, 1-based): chr12:8,823,193, T>C. VCF-style: chr12-8823193-T-C. GRCh37 (hg19) VCF-style: chr12-8975789-T-C.
Other names: short protein forms V25A.
Identifiers: ClinVar variation 2100645 (VCV002100645.4), dbSNP rs1213669575, ClinGen allele CA383817529.
Genomic context (GRCh38, chr12:8,823,193, plus strand): 5'-CGAGTGAATGAATCATTATTGCCCTGAAATCCTTCTGCTCCTTTAATAGAAACTACCTGG[T>C]GACATTACCAGCCCGGCTAAATTTCCCCTCCGTTCAGAAGGTTTGTTTGGACCTGAGCCC-3'
Protein context (NP_653271.3, residues 15-35): AIAEELPNYL[Val25Ala]TLPARLNFPS